The following is an entry in ClinVar:

NM_006904.7(PRKDC):c.11705C>G (p.Ser3902Cys)

Gene: PRKDC (protein kinase, DNA-activated, catalytic subunit; minus strand). Cytogenetic location: 8q11.21.
Variant type: single nucleotide variant.
Coding change: c.11705C>G on transcript NM_006904.7 (MANE Select); coding-DNA position 11705, C replaced by G.
Protein change: p.Ser3902Cys; replaces serine 3902 with cysteine.
Molecular consequence: missense variant.
Genome position (GRCh38, 1-based): chr8:47,778,607, G>C on the plus strand (C>G on the coding strand, the complement: PRKDC is on the minus strand). VCF-style: chr8-47778607-G-C. GRCh37 (hg19) VCF-style: chr8-48691168-G-C.
Other names: c.11612C>G, p.Ser3871Cys (NM_001081640.2); short protein forms S3871C, S3902C.
Identifiers: ClinVar variation 2449835 (VCV002449835.2), dbSNP rs2086646574, ClinGen allele CA371128751.
Genomic context (GRCh38, chr8:47,778,607, plus strand): 5'-TCTCCAATCCCGAGGATCCAGTGGCTGATGCATATCAGAGCGTGAGAGCTGGCGAAGTGG[G>C]AGCGGAGCGCCAGGAAAGCCTCAGGGCTTGTACTCATCCTCACGAAGGCCCGCCTACAAA-3'
Protein context (NP_008835.5, residues 3892-3912): TSPEAFLALR[Ser3902Cys]HFASSHALIC

ClinVar aggregate classification (germline): Uncertain significance (1 of 4 stars; one submission).

Allele frequency attached by ClinVar (database versions not stated): gnomAD exomes below 0.00001; gnomAD 0.00001.
gnomAD v4.1: 4 of 1,613,676 alleles (0.00025%); highest among the groups gnomAD compares: Non-Finnish European, 0.00034%; no homozygotes.

Submission:

Ambry Genetics
Classification: Uncertain significance. Last evaluated: 2022-12-09. Review status: criteria provided, single submitter. Criteria: Ambry Variant Classification Scheme 2023. Collection method: clinical testing. Allele origin: germline.
Comment: The p.S3902C variant (also known as c.11705C>G), located in coding exon 83 of the PRKDC gene, results from a C to G substitution at nucleotide position 11705. The serine at codon 3902 is replaced by cysteine, an amino acid with dissimilar properties. This amino acid position is conserved. Since supporting evidence is limited at this time, the clinical significance of this alteration remains unclear.